The following is an entry in ClinVar:

NM_002227.4(JAK1):c.1651A>T (p.Ile551Phe)

Gene: JAK1 (Janus kinase 1; minus strand). Cytogenetic location: 1p31.3.
Variant type: single nucleotide variant.
Coding change: c.1651A>T on transcript NM_002227.4 (MANE Select); coding-DNA position 1651, A replaced by T.
Protein change: p.Ile551Phe; replaces isoleucine 551 with phenylalanine.
Molecular consequence: missense variant.
Genome position (GRCh38, 1-based): chr1:64,850,908, T>A on the plus strand (A>T on the coding strand, the complement: JAK1 is on the minus strand). VCF-style: chr1-64850908-T-A. GRCh37 (hg19) VCF-style: chr1-65316591-T-A.
Other names: c.1651A>T, p.Ile551Phe (NM_001320923.2, NM_001321852.2, NM_001321853.2 and 3 more transcripts); c.1648A>T, p.Ile550Phe (NM_001321857.2); short protein forms I550F, I551F.
Identifiers: ClinVar variation 4528139 (VCV004528139.1).

ClinVar aggregate classification (germline): Uncertain significance (1 of 4 stars; one submission).

gnomAD v4.1: 2 of 1,609,852 alleles (0.00012%); highest among the groups gnomAD compares: Admixed American, 0.0033%; no homozygotes.

Submission:

GeneDx
Classification: Uncertain significance. Last evaluated: 2025-05-04. Review status: criteria provided, single submitter. Criteria: GeneDx Variant Classification Process June 2021. Collection method: clinical testing. Allele origin: germline. Affected: yes.
Comment: In silico analysis suggests that this missense variant does not alter protein structure/function; Has not been previously published as pathogenic or benign to our knowledge